The following is an entry in ClinVar:

ClinVar aggregate classification (germline): Uncertain significance (1 of 4 stars; one submission).

Conditions:
Hereditary sensory and autonomic neuropathy type 7. Also called: Neuropathy, hereditary sensory and autonomic, type VII; HSAN VII. Identifiers: Orphanet 391397, MedGen C3809882, MONDO:0014244, OMIM 615548.
Familial episodic pain syndrome with predominantly lower limb involvement. Also called: Episodic pain syndrome, familial, 3. Identifiers: Orphanet 391384, Orphanet 391392, MedGen C3809899, MONDO:0014247, OMIM 615552.

gnomAD v4.1: 2 of 1,613,260 alleles (0.00012%); highest among the groups gnomAD compares: Non-Finnish European, 0.00017%; no homozygotes.

Submission:

Labcorp Genetics (formerly Invitae), Labcorp
Classification: Uncertain significance for Familial episodic pain syndrome with predominantly lower limb involvement; Hereditary sensory and autonomic neuropathy type 7. Last evaluated: 2022-06-04. Review status: criteria provided, single submitter. Criteria: Invitae Variant Classification Sherloc (09022015). Collection method: clinical testing. Allele origin: germline.
Comment: This sequence change replaces valine, which is neutral and non-polar, with phenylalanine, which is neutral and non-polar, at codon 1010 of the SCN11A protein (p.Val1010Phe). This variant is present in population databases (no rsID available, gnomAD 0.0009%). This variant has not been reported in the literature in individuals affected with SCN11A-related conditions. Algorithms developed to predict the effect of missense changes on protein structure and function are either unavailable or do not agree on the potential impact of this missense change (SIFT: "Deleterious"; PolyPhen-2: "Possibly Damaging"; Align-GVGD: "Class C0"). In summary, the available evidence is currently insufficient to determine the role of this variant in disease. Therefore, it has been classified as a Variant of Uncertain Significance.

NM_001349253.2(SCN11A):c.3028G>T (p.Val1010Phe)

Gene: SCN11A (sodium voltage-gated channel alpha subunit 11; minus strand). Cytogenetic location: 3p22.2.
Variant type: single nucleotide variant.
Coding change: c.3028G>T on transcript NM_001349253.2 (MANE Select); coding-DNA position 3028, G replaced by T.
Protein change: p.Val1010Phe; replaces valine 1010 with phenylalanine.
Molecular consequence: missense variant.
Genome position (GRCh38, 1-based): chr3:38,885,324, C>A on the plus strand (G>T on the coding strand, the complement: SCN11A is on the minus strand). VCF-style: chr3-38885324-C-A. GRCh37 (hg19) VCF-style: chr3-38926815-C-A.
Other names: c.3028G>T, p.Val1010Phe (NM_014139.3); short protein forms V1010F.
Identifiers: ClinVar variation 2041556 (VCV002041556.4), dbSNP rs1362914758, ClinGen allele CA352173596.
Genomic context (GRCh38, chr3:38,885,324, plus strand): 5'-GGATGCAGAAATACTGCCACTTACCTTTGGGCAAACATCTCTCTGGTTGCTTTTTGGGAA[C>A]CATCTCAGGTAACCATCCAAAGCCATCCTGAAGATCAATGGTGCTACATTCTGATAGTAT-3'
Protein context (NP_001336182.1, residues 1000-1020): QDGFGWLPEM[Val1010Phe]PKKQPERCLP